The following is an entry in ClinVar:

ClinVar aggregate classification (germline): Uncertain significance (1 of 4 stars; one submission).

Conditions:
Hereditary cancer-predisposing syndrome. Also called: Neoplastic Syndromes, Hereditary; Tumor predisposition; Hereditary neoplastic syndrome; Hereditary Cancer Syndrome. Identifiers: Orphanet 140162, MedGen C0027672, MeSH D009386, MONDO:0015356.

Submission:

Ambry Genetics
Classification: Uncertain significance for Hereditary cancer-predisposing syndrome. Last evaluated: 2023-12-28. Review status: criteria provided, single submitter. Criteria: Ambry Variant Classification Scheme 2023. Collection method: clinical testing. Allele origin: germline.
Comment: The c.671-29_671-28insALU variant results from the insertion of an Alu between nucleotides c.671-29 and c.671-28 in intron 8 of the BRCA1 gene. Mobile element insertions contribute to pathogenicity by either disrupting the coding sequence or inducing aberrant splicing (Belancio VP et al. Semin. Cancer Biol. 2010 Aug;20:200-10; Deininger P et al. Genome Biol. 2011 Dec;12:236; van der Klift HM Hum Mutat. 2012 Jul;33(7):1051-5); however, direct evidence is insufficient at this time (Ambry internal data). Since supporting evidence is limited at this time, the clinical significance of this alteration remains unclear.

NM_007294.3:c.671-29_671-28insALU

Gene: BRCA1 (BRCA1 DNA repair associated; minus strand).
Variant type: Insertion.
Identifiers: ClinVar variation 3226177 (VCV003226177.1).